The following is an entry in ClinVar:

ClinVar aggregate classification (germline): Uncertain significance (1 of 4 stars; one submission).

Allele frequency attached by ClinVar (database versions not stated): gnomAD 0.00001.
gnomAD v4.1: 4 of 1,612,868 alleles (0.00025%); highest among the groups gnomAD compares: African/African-American, 0.0027%; no homozygotes.

Submission:

GeneDx
Classification: Uncertain significance. Last evaluated: 2013-09-13. Review status: criteria provided, single submitter. Criteria: GeneDx Variant Classification (06012015). Collection method: clinical testing. Allele origin: germline. Affected: yes.
Comment: Missense variants in the TTN gene are considered 'unclassified' if they are not previously reported in the literature and do not have >1% frequency in the population to be considered a polymorphism. Research indicates that truncating mutations in the TTN gene are expected to account for approximately 25% of familial and 18% of sporadic idiopathic DCM; however, truncating variants in the TTN gene have been reported in approximately 3% of reported control alleles. There has been little investigation into non-truncating variants. (Herman D et al. Truncations of titin causing dilated cardiomyopathy. N Eng J Med 366:619-628, 2012) The variant is found in DCM panel(s).

NM_001267550.2(TTN):c.69172A>G (p.Thr23058Ala)

Genes: TTN (titin; minus strand), TTN-AS1 (TTN antisense RNA 1; plus strand). Cytogenetic location: 2q31.2.
Variant type: single nucleotide variant.
Coding change: c.69172A>G on transcript NM_001267550.2 (MANE Select); coding-DNA position 69172, A replaced by G.
Protein change: p.Thr23058Ala; replaces threonine 23058 with alanine.
Molecular consequence: missense variant.
Genome position (GRCh38, 1-based): chr2:178,577,163, T>C on the plus strand (A>G on the coding strand, the complement: TTN is on the minus strand). VCF-style: chr2-178577163-T-C. GRCh37 (hg19) VCF-style: chr2-179441890-T-C.
Other names: p.T21417A:ACA>GCA; c.64249A>G, p.Thr21417Ala (NM_001256850.1); c.41977A>G, p.Thr13993Ala (NM_003319.4); c.61468A>G, p.Thr20490Ala (NM_133378.4); c.42352A>G, p.Thr14118Ala (NM_133432.3); c.42553A>G, p.Thr14185Ala (NM_133437.4); short protein forms T21417A, T23058A, T13993A, T20490A, T14118A, T14185A.
Identifiers: ClinVar variation 202818 (VCV000202818.2), dbSNP rs752304059, ClinGen allele CA310382.
Genomic context (GRCh38, chr2:178,577,163, plus strand): 5'-CAAGTATATAGGACTTAATTGGTGAGCCGCCATCTTCCAAGGGAGGTGTCCATGTAAGTG[T>C]TGCTTTTTCAGCAGAAACATTACTGATTTCAACAGGACCTGGGGGACCAGGTACATCAAG-3'
Protein context (NP_001254479.2, residues 23048-23068): EISNVSAEKA[Thr23058Ala]LTWTPPLEDG